The following is an entry in ClinVar:

ClinVar aggregate classification (germline): Uncertain significance (1 of 4 stars; one submission).

gnomAD v4.1: 2 of 1,610,036 alleles (0.00012%); highest among the groups gnomAD compares: African/African-American, 0.0013%; no homozygotes.

Submission:

Labcorp Genetics (formerly Invitae), Labcorp
Classification: Uncertain significance. Last evaluated: 2025-07-24. Review status: criteria provided, single submitter. Criteria: Invitae Variant Classification Sherloc (09022015). Collection method: clinical testing. Allele origin: germline.
Comment: This sequence change replaces arginine, which is basic and polar, with serine, which is neutral and polar, at codon 786 of the PLG protein (p.Arg786Ser). This variant is not present in population databases (gnomAD no frequency). This variant has not been reported in the literature in individuals affected with PLG-related conditions. Invitae Evidence Modeling of protein sequence and biophysical properties (such as structural, functional, and spatial information, amino acid conservation, physicochemical variation, residue mobility, and thermodynamic stability) indicates that this missense variant is not expected to disrupt PLG protein function with a negative predictive value of 80%. In summary, the available evidence is currently insufficient to determine the role of this variant in disease. Therefore, it has been classified as a Variant of Uncertain Significance.

NM_000301.5(PLG):c.2356C>A (p.Arg786Ser)

Gene: PLG (plasminogen; plus strand). Cytogenetic location: 6q26.
Variant type: single nucleotide variant.
Coding change: c.2356C>A on transcript NM_000301.5 (MANE Select); coding-DNA position 2356, C replaced by A.
Protein change: p.Arg786Ser; replaces arginine 786 with serine.
Molecular consequence: missense variant.
Genome position (GRCh38, 1-based): chr6:160,752,984, C>A. VCF-style: chr6-160752984-C-A. GRCh37 (hg19) VCF-style: chr6-161174016-C-A.
Other names: short protein forms R786S.
Identifiers: ClinVar variation 4695319 (VCV004695319.1).